The following is an entry in ClinVar:

NM_000138.5(FBN1):c.1715-9T>C

Gene: FBN1 (fibrillin 1; minus strand). Cytogenetic location: 15q21.1.
Variant type: single nucleotide variant.
Coding change: c.1715-9T>C on transcript NM_000138.5 (MANE Select); 9 bases into the intron before coding-DNA position 1715, T replaced by C.
Molecular consequence: intron variant.
Genome position (GRCh38, 1-based): chr15:48,508,713, A>G on the plus strand (T>C on the coding strand, the complement: FBN1 is on the minus strand). VCF-style: chr15-48508713-A-G. GRCh37 (hg19) VCF-style: chr15-48800910-A-G.
Identifiers: ClinVar variation 2082074 (VCV002082074.5), dbSNP rs1057520813, ClinGen allele CA713417012.

ClinVar aggregate classification (germline): Likely benign. Review status: criteria provided, multiple submitters, no conflicts (2 of 4 stars). 2 submissions from 2 submitters: Likely benign (2). Last evaluated 2024-11-21.

Conditions:
Marfan syndrome (MFS). Also called: MARFAN SYNDROME, TYPE I; Marfan syndrome type 1; Marfan's syndrome; Marfan syndrome, classic; FBN1-Related Marfan Syndrome. Identifiers: Orphanet 284963, Orphanet 558, MedGen C0024796, MONDO:0007947, OMIM 154700.
Familial thoracic aortic aneurysm and aortic dissection (TAAD). Also called: Thoracic aortic aneurysms and dissections. Identifiers: Orphanet 91387, MedGen C4707243, MONDO:0019625.

Allele frequency attached by ClinVar (database versions not stated): gnomAD exomes below 0.00001.
gnomAD v4.1: 1 of 1,613,452 alleles (0.000062%); highest among the groups gnomAD compares: East Asian, 0.0022%; no homozygotes.

Submissions (2):

Labcorp Genetics (formerly Invitae), Labcorp
Classification: Likely benign for Marfan syndrome; Familial thoracic aortic aneurysm and aortic dissection. Last evaluated: 2024-11-21. Review status: criteria provided, single submitter. Criteria: Invitae Variant Classification Sherloc (09022015). Collection method: clinical testing. Allele origin: germline.

All of Us Research Program, National Institutes of Health
Classification: Likely benign for Marfan syndrome. Last evaluated: 2024-05-14. Review status: criteria provided, single submitter. Criteria: ACMG Guidelines, 2015. Collection method: clinical testing. Allele origin: germline. Inheritance: Autosomal dominant inheritance. Observed: 1 variant allele, 1 heterozygote.
Comment: This study involves interpretation of variants in research participants for the purpose of population health screening. Participant phenotype was not available at the time of variant classification. Additional details can be found in publication PMID: 35346344, PMCID: PMC8962531